The following is an entry in ClinVar:

ClinVar aggregate classification (germline): Benign/Likely benign. Review status: criteria provided, multiple submitters, no conflicts (2 of 4 stars). 12 submissions from 12 submitters: Benign (6); Likely benign (2). 4 of the submissions do not count toward it. Last evaluated 2026-02-03.

Conditions:
Ceroid lipofuscinosis, neuronal, 6B (Kufs type). Also called: Neuronal ceroid lipofuscinosis 4A. Identifiers: Orphanet 700477, MedGen C5561927, MONDO:0008768, OMIM 204300.
Ceroid lipofuscinosis, neuronal, 6A. Also called: Neuronal ceroid lipofuscinosis, late infantile, variant; Neuronal ceroid lipofuscinosis, Gypsy/Indian early juvenile variant; Neuronal ceroid lipofuscinosis 6; CLN6-Related Neuronal Ceroid-Lipofuscinosis. Identifiers: Orphanet 168491, Orphanet 228363, MedGen C5551375, MONDO:0011144, OMIM 601780.
Neuronal ceroid lipofuscinosis. Also called: Neuronal Ceroid Lipofuscinoses. Identifiers: Orphanet 216, Orphanet 79263, MedGen C0027877, MONDO:0016295. Disease mechanism: loss of function.

Allele frequency attached by ClinVar (database versions not stated): gnomAD 0.00549 and 0.00608; TOPMed 0.00637; ESP Exome Variant Server 0.00662; gnomAD exomes 0.00770 and 0.00864; ExAC 0.00774; 1000 Genomes Project 30x 0.01031; 1000 Genomes Project 0.01038.

Submissions (12):

Labcorp Genetics (formerly Invitae), Labcorp
Classification: Benign for Neuronal ceroid lipofuscinosis. Last evaluated: 2026-02-03. Review status: criteria provided, single submitter. Criteria: Invitae Variant Classification Sherloc (09022015). Collection method: clinical testing. Allele origin: germline.

Athena Diagnostics
Classification: Benign. Last evaluated: 2025-08-25. Review status: criteria provided, single submitter. Criteria: Athena Diagnostics Criteria. Collection method: clinical testing. Allele origin: unknown.
Comment: The frequency of this variant in the general population is higher than would generally be expected for pathogenic variants in this gene.

Blueprint Genetics
Classification: Likely benign. Last evaluated: 2024-11-27. Review status: criteria provided, single submitter. Criteria: ACMG Guidelines, 2015. Collection method: clinical testing. Allele origin: germline.

Fulgent Genetics
Classification: Likely benign for Ceroid lipofuscinosis, neuronal, 6B (Kufs type); Ceroid lipofuscinosis, neuronal, 6A. Last evaluated: 2021-09-01. Review status: criteria provided, single submitter. Criteria: ACMG Guidelines, 2015. Collection method: clinical testing. Allele origin: unknown.

Illumina Laboratory Services, Illumina
Classification: Benign for Neuronal ceroid lipofuscinosis. Last evaluated: 2018-01-13. Review status: criteria provided, single submitter. Criteria: ICSL Variant Classification Criteria 13 December 2019. Collection method: clinical testing. Allele origin: germline.
Comment: This variant was observed in the ICSL laboratory as part of a predisposition screen in an ostensibly healthy population. It had not been previously curated by ICSL or reported in the Human Gene Mutation Database (HGMD: prior to June 1st, 2018), and was therefore a candidate for classification through an automated scoring system. Utilizing variant allele frequency, disease prevalence and penetrance estimates, and inheritance mode, an automated score was calculated to assess if this variant is too frequent to cause the disease. Based on the score and internal cut-off values, a variant classified as benign is not then subjected to further curation. The score for this variant resulted in a classification of benign for this disease.

Eurofins Ntd Llc (ga)
Classification: Benign. Last evaluated: 2014-04-29. Review status: criteria provided, single submitter. Criteria: EGL Classification Definitions 2015. Collection method: clinical testing. Allele origin: germline. Observed: 2 variant alleles, 2 heterozygotes.

GeneDx
Classification: Benign. Last evaluated: 2012-04-27. Review status: criteria provided, single submitter. Criteria: GeneDx Variant Classification (06012015). Collection method: clinical testing. Allele origin: germline. Affected: yes.
Comment: This variant is considered likely benign or benign based on one or more of the following criteria: it is a conservative change, it occurs at a poorly conserved position in the protein, it is predicted to be benign by multiple in silico algorithms, and/or has population frequency not consistent with disease.

PreventionGenetics, part of Exact Sciences
Classification: Benign. Review status: criteria provided, single submitter. Criteria: ACMG Guidelines, 2015. Collection method: clinical testing. Allele origin: germline.

Mayo Clinic Laboratories, Mayo Clinic
Classification: Likely benign. Last evaluated: 2017-04-18. Review status: no assertion criteria provided. Collection method: clinical testing. Allele origin: unknown. Not counted in ClinVar's aggregate classification.

Genetic Services Laboratory, University of Chicago
Classification: Likely benign for AllHighlyPenetrant. Review status: no assertion criteria provided. Collection method: clinical testing. Allele origin: germline. Inheritance: Autosomal recessive inheritance. Not counted in ClinVar's aggregate classification.
Comment: Likely benign based on allele frequency in 1000 Genomes Project or ESP global frequency and its presence in a patient with a rare or unrelated disease phenotype. NOT Sanger confirmed.

Genome Diagnostics Laboratory, University Medical Center Utrecht
Classification: Likely benign. Review status: no assertion criteria provided. Collection method: clinical testing. Allele origin: germline. Affected: yes. Study: VKGL Data-share Consensus. Not counted in ClinVar's aggregate classification.

Joint Genome Diagnostic Labs from Nijmegen and Maastricht, Radboudumc and MUMC+
Classification: Benign. Review status: no assertion criteria provided. Collection method: clinical testing. Allele origin: germline. Affected: yes. Study: VKGL Data-share Consensus. Not counted in ClinVar's aggregate classification.

Literature cited by the submitters: PubMed 21990111 (cited by Athena Diagnostics).

NM_017882.3(CLN6):c.298-6C>T

Gene: CLN6 (CLN6 transmembrane ER protein; minus strand). Cytogenetic location: 15q23.
Variant type: single nucleotide variant.
Coding change: c.298-6C>T on transcript NM_017882.3 (MANE Select); 6 bases into the intron before coding-DNA position 298, C replaced by T.
Molecular consequence: intron variant.
Genome position (GRCh38, 1-based): chr15:68,211,869, G>A on the plus strand (C>T on the coding strand, the complement: CLN6 is on the minus strand). VCF-style: chr15-68211869-G-A. GRCh37 (hg19) VCF-style: chr15-68504207-G-A.
Identifiers: ClinVar variation 128785 (VCV000128785.32), dbSNP rs117038427, ClinGen allele CA288744.
Genomic context (GRCh38, chr15:68,211,869, plus strand): 5'-TGATGCTCACGTACGTGATGGAGCGTGGCAGGGTGCGGGGGGACCGCTCGATGAGCTGGG[G>A]TTCAGAGTGGGGTTGGCAGCATGACCCCACCTCTGTCACAGTATGTGACACCCTCTGCTT-3'